The following is an entry in ClinVar:

NM_021076.4(NEFH):c.2396C>T (p.Ala799Val)

Gene: NEFH (neurofilament heavy chain; plus strand). Cytogenetic location: 22q12.2.
Variant type: single nucleotide variant.
Coding change: c.2396C>T on transcript NM_021076.4 (MANE Select); coding-DNA position 2396, C replaced by T.
Protein change: p.Ala799Val; replaces alanine 799 with valine.
Molecular consequence: missense variant.
Genome position (GRCh38, 1-based): chr22:29,490,036, C>T. VCF-style: chr22-29490036-C-T. GRCh37 (hg19) VCF-style: chr22-29886025-C-T.
Other names: c.2396C>T (NM_021076.3); short protein forms A799V.
Identifiers: ClinVar variation 1485781 (VCV001485781.10), dbSNP rs375529650, ClinGen allele CA10174420.

ClinVar aggregate classification (germline): Uncertain significance. Review status: criteria provided, multiple submitters, no conflicts (2 of 4 stars). 3 submissions from 3 submitters: Uncertain significance (3). Last evaluated 2025-05-29.

Conditions:
NEFH-related disorder. Also called: NEFH-related condition.
Charcot-Marie-Tooth disease axonal type 2CC. Also called: CHARCOT-MARIE-TOOTH NEUROPATHY, TYPE 2CC. Identifiers: MedGen C4310790, MONDO:0014836, OMIM 616924.

Allele frequency attached by ClinVar (database versions not stated): ExAC 0.00003; gnomAD 0.00003 and 0.00004; gnomAD exomes 0.00003 and 0.00005; TOPMed 0.00003; ESP Exome Variant Server 0.00008.
gnomAD v4.1: 76 of 1,613,412 alleles (0.0047%); highest among the groups gnomAD compares: Non-Finnish European, 0.0058%; no homozygotes.

Submissions (3):

PreventionGenetics, part of Exact Sciences
Classification: Uncertain significance for NEFH-related condition. Last evaluated: 2025-05-29. Review status: criteria provided, single submitter. Criteria: ACMG Guidelines, 2015. Collection method: clinical testing. Allele origin: germline.
Comment: The NEFH c.2396C>T variant is predicted to result in the amino acid substitution p.Ala799Val. To our knowledge, this variant has not been reported in the literature. This variant is reported in 0.0080% of alleles in individuals of African descent in gnomAD. At this time, the clinical significance of this variant is uncertain due to the absence of conclusive functional and genetic evidence.

Labcorp Genetics (formerly Invitae), Labcorp
Classification: Uncertain significance. Last evaluated: 2022-03-27. Review status: criteria provided, single submitter. Criteria: Invitae Variant Classification Sherloc (09022015). Collection method: clinical testing. Allele origin: germline.
Comment: This sequence change replaces alanine, which is neutral and non-polar, with valine, which is neutral and non-polar, at codon 799 of the NEFH protein (p.Ala799Val). In summary, the available evidence is currently insufficient to determine the role of this variant in disease. Therefore, it has been classified as a Variant of Uncertain Significance. Algorithms developed to predict the effect of sequence changes on RNA splicing suggest that this variant may create or strengthen a splice site. Advanced modeling of protein sequence and biophysical properties (such as structural, functional, and spatial information, amino acid conservation, physicochemical variation, residue mobility, and thermodynamic stability) performed at Invitae indicates that this missense variant is not expected to disrupt NEFH protein function. This variant has not been reported in the literature in individuals affected with NEFH-related conditions. The frequency data for this variant in the population databases is considered unreliable, as metrics indicate poor data quality at this position in the gnomAD database.

Revvity Omics, Revvity
Classification: Uncertain significance for Charcot-Marie-Tooth disease axonal type 2CC. Last evaluated: 2021-11-05. Review status: criteria provided, single submitter. Criteria: ACMG Guidelines, 2015. Collection method: clinical testing. Allele origin: germline.